The following is an entry in ClinVar:

NM_006642.5(SDCCAG8):c.675+200_675+203del

Gene: SDCCAG8 (SHH signaling and ciliogenesis regulator SDCCAG8; plus strand). Cytogenetic location: 1q43.
Variant type: Microsatellite.
Coding change: c.675+200_675+203del on transcript NM_006642.5 (MANE Select); bases 200 to 203 of the intron after coding-DNA position 675, 4 bases deleted (CAAA; older notation c.675+200_675+203delCAAA).
Molecular consequence: intron variant. On other transcripts: frameshift variant (1), 5 prime UTR variant (1).
Genome position (GRCh38, 1-based): chr1:243,293,419-243,293,422, CAAA deleted; deleting any 4 consecutive bases within chr1:243,293,415-243,293,422 gives the same sequence; the c. name uses the placement nearest the transcript's 3' end. VCF-style (leftmost placement, unchanged base first): chr1-243293414-TCAAA-T. GRCh37 (hg19) VCF-style: chr1-243456716-TCAAA-T.
Other names: c.696_699del, p.Asn232fs (NM_001350248.2); c.-682CAAA[1] (NM_001350251.2); c.381+200_381+203del (NM_001350249.2); c.-438+200_-438+203del (NM_001350246.2); c.-326+200_-326+203del (NM_001350247.2); short protein forms N232fs.
Identifiers: ClinVar variation 4993144 (VCV004993144.1).
Genomic context (GRCh38, chr1:243,293,414, plus strand): 5'-TAAGTACATTCATGTCACTCAATCATAAACATTATCCATTTTCAGAACTTTTTGATCATC[TCAAA>T]CAAAAAGTCTGGACGTATTAAACAATATCTCCATTCCCCTCCCTGCCAACCCCTGATGAC-3'

ClinVar aggregate classification (germline): Likely pathogenic (1 of 4 stars; one submission).

Conditions:
SDCCAG8-related disorder. Also called: SDCCAG8-related condition; SDCCAG8-Related Disorders.

Submission:

PreventionGenetics, part of Exact Sciences
Classification: Likely pathogenic for SDCCAG8-related condition. Last evaluated: 2026-07-02. Review status: criteria provided, single submitter. Criteria: ACMG Guidelines, 2015. Collection method: clinical testing. Allele origin: germline.
Comment: The SDCCAG8 c.696_699delCAAA variant is predicted to result in a frameshift and premature protein termination (p.Asn232Lysfs*18). To our knowledge, this variant has not been reported in the literature or in a large population database (gnomAD), indicating this variant is rare. Frameshift variants in SDCCAG8 are expected to be pathogenic. This variant is interpreted as likely pathogenic.